The following is an entry in ClinVar:

NM_001267550.2(TTN):c.29371A>G (p.Arg9791Gly)

Gene: TTN (titin; minus strand). Cytogenetic location: 2q31.2.
Variant type: single nucleotide variant.
Coding change: c.29371A>G on transcript NM_001267550.2 (MANE Select); coding-DNA position 29371, A replaced by G.
Protein change: p.Arg9791Gly; replaces arginine 9791 with glycine.
Molecular consequence: missense variant. On other transcripts: intron variant (3).
Genome position (GRCh38, 1-based): chr2:178,706,503, T>C on the plus strand (A>G on the coding strand, the complement: TTN is on the minus strand). VCF-style: chr2-178706503-T-C. GRCh37 (hg19) VCF-style: chr2-179571230-T-C.
Other names: p.Arg8547Gly; c.28420A>G, p.Arg9474Gly (NM_001256850.1); c.25639A>G, p.Arg8547Gly (NM_133378.4); c.13282+31579A>G (NM_003319.4); c.13858+31579A>G (NM_133437.4); c.13657+31579A>G (NM_133432.3); short protein forms R8547G, R9474G, R9791G.
Identifiers: ClinVar variation 3380895 (VCV003380895.1).

ClinVar aggregate classification (germline): Uncertain significance (1 of 4 stars; one submission).

gnomAD v4.1: 2 of 1,613,876 alleles (0.00012%); highest among the groups gnomAD compares: Non-Finnish European, 0.00017%; no homozygotes.

Submission:

Mayo Clinic Laboratories, Mayo Clinic
Classification: Uncertain significance. Last evaluated: 2023-04-21. Review status: criteria provided, single submitter. Criteria: ACMG Guidelines, 2015. Collection method: clinical testing. Allele origin: germline. Observed: 1 variant allele.
Comment: BP4, PM2_moderate